The following is an entry in ClinVar:

ClinVar aggregate classification (germline): Benign (1 of 4 stars; one submission).

Conditions:
Sulfite oxidase deficiency due to molybdenum cofactor deficiency type A. Also called: Molybdenum Cofactor Deficiency A; Molybdenum cofactor deficiency, complementation group A. Identifiers: Orphanet 308386, Orphanet 833, MedGen C1854988, MONDO:0009643, OMIM 252150.

Allele frequency attached by ClinVar (database versions not stated): 1000 Genomes Project 30x 0.02467; 1000 Genomes Project 0.02476; ExAC 0.03796; TOPMed 0.05449; gnomAD exomes 0.05636 and 0.06475; gnomAD 0.05952 and 0.06093.

Submission:

Illumina Laboratory Services, Illumina
Classification: Benign for Sulfite oxidase deficiency due to molybdenum cofactor deficiency type A. Last evaluated: 2018-01-12. Review status: criteria provided, single submitter. Criteria: ICSL Variant Classification Criteria 13 December 2019. Collection method: clinical testing. Allele origin: germline.
Comment: This variant was observed in the ICSL laboratory as part of a predisposition screen in an ostensibly healthy population. It had not been previously curated by ICSL or reported in the Human Gene Mutation Database (HGMD: prior to June 1st, 2018), and was therefore a candidate for classification through an automated scoring system. Utilizing variant allele frequency, disease prevalence and penetrance estimates, and inheritance mode, an automated score was calculated to assess if this variant is too frequent to cause the disease. Based on the score and internal cut-off values, a variant classified as benign is not then subjected to further curation. The score for this variant resulted in a classification of benign for this disease.

NM_001358530.2(MOCS1):c.*451C>T

Gene: MOCS1 (molybdenum cofactor synthesis 1; minus strand). Cytogenetic location: 6p21.2.
Variant type: single nucleotide variant.
Coding change: c.*451C>T on transcript NM_001358530.2 (MANE Select); 451 bases downstream of the stop codon, C replaced by T.
Molecular consequence: 3 prime UTR variant. On other transcripts: non-coding transcript variant (1).
Genome position (GRCh38, 1-based): chr6:39,905,906, G>A on the plus strand (C>T on the coding strand, the complement: MOCS1 is on the minus strand). VCF-style: chr6-39905906-G-A. GRCh37 (hg19) VCF-style: chr6-39873682-G-A.
Other names: c.*1219C>T (NM_001075098.4, NM_001358533.2, NM_001358534.2 and 1 more transcripts); c.*451C>T (NM_001358529.2, NM_001358531.2).
Identifiers: ClinVar variation 356632 (VCV000356632.5), dbSNP rs41273136, ClinGen allele CA3795760.